The following is an entry in ClinVar:

ClinVar aggregate classification (germline): Benign/Likely benign. Review status: criteria provided, multiple submitters, no conflicts (2 of 4 stars). 3 submissions from 3 submitters: Benign (1); Likely benign (1). 1 of the submissions does not count toward it. Last evaluated 2026-01-26.

Conditions:
IL2RG-related disorder. Also called: IL2RG-related condition.
X-linked severe combined immunodeficiency (SCIDX1). Also called: X-Linked Combined Immunodeficiency Diseases; IMMUNODEFICIENCY 4; SCID, X-LINKED; SEVERE COMBINED IMMUNODEFICIENCY, X-LINKED, T CELL-NEGATIVE, B CELL-POSITIVE, NK CELL-NEGATIVE; T-B+ severe combined immunodeficiency due to gamma chain deficiency. Identifiers: Orphanet 276, MedGen C6022468, MONDO:0010315, OMIM 300400. Disease mechanism: loss of function.

Allele frequency attached by ClinVar (database versions not stated): ESP Exome Variant Server 0.00019; gnomAD 0.00038 and 0.00039; gnomAD exomes 0.00043 and 0.00013; TOPMed 0.00046; ExAC 0.00050; 1000 Genomes Project 30x 0.00062; 1000 Genomes Project 0.00079.
gnomAD v4.1: 177 of 1,205,771 alleles (0.015%); highest among the groups gnomAD compares: East Asian, 0.23%; no homozygotes.

Submissions (3):

Labcorp Genetics (formerly Invitae), Labcorp
Classification: Benign for X-linked severe combined immunodeficiency. Last evaluated: 2026-01-26. Review status: criteria provided, single submitter. Criteria: Invitae Variant Classification Sherloc (09022015). Collection method: clinical testing. Allele origin: germline.

PreventionGenetics, part of Exact Sciences
Classification: Likely benign for IL2RG-related condition. Last evaluated: 2025-12-29. Review status: criteria provided, single submitter. Criteria: ACMG Guidelines, 2015. Collection method: clinical testing. Allele origin: germline.
Comment: This variant is classified as likely benign based on ACMG/AMP sequence variant interpretation guidelines (Richards et al. 2015 PMID: 25741868, with internal and published modifications).

Natera, Inc.
Classification: Likely benign for X-linked severe combined immunodeficiency. Last evaluated: 2019-11-11. Review status: no assertion criteria provided. Collection method: clinical testing. Allele origin: germline. Not counted in ClinVar's aggregate classification.

NM_000206.3(IL2RG):c.282G>A (p.Ser94=)

Gene: IL2RG (interleukin 2 receptor subunit gamma; minus strand). Cytogenetic location: Xq13.1.
Variant type: single nucleotide variant.
Coding change: c.282G>A on transcript NM_000206.3 (MANE Select); coding-DNA position 282, G replaced by A.
Protein change: p.Ser94=; no amino-acid change (serine 94 retained).
Molecular consequence: synonymous variant.
Genome position (GRCh38, 1-based): chrX:71,110,676, C>T on the plus strand (G>A on the coding strand, the complement: IL2RG is on the minus strand). VCF-style: chrX-71110676-C-T. GRCh37 (hg19) VCF-style: chrX-70330526-C-T.
Identifiers: ClinVar variation 723304 (VCV000723304.13), dbSNP rs142807857, ClinGen allele CA10443893.
Genomic context (GRCh38, chrX:71,110,676, plus strand): 5'-GCCAGAAGTGATTTCTTCAGAGAATAGATAGTGGCTGCACTTCTGGACTTTATCATTATC[C>T]GAGTTCTTGTACCTAGAGGAGAAAGGTTGGAAGGAAGAGGAACAGTGGGGCCAATCTGGG-3'
Protein context (NP_000197.1, residues 84-104): NLTLHYWYKN[Ser94=]DNDKVQKCSH